The following is an entry in ClinVar:

NM_000208.4(INSR):c.2302G>A (p.Gly768Arg)

Gene: INSR (insulin receptor; minus strand). Cytogenetic location: 19p13.2.
Variant type: single nucleotide variant.
Coding change: c.2302G>A on transcript NM_000208.4 (MANE Select); coding-DNA position 2302, G replaced by A.
Protein change: p.Gly768Arg; replaces glycine 768 with arginine.
Molecular consequence: missense variant.
Genome position (GRCh38, 1-based): chr19:7,143,056, C>T on the plus strand (G>A on the coding strand, the complement: INSR is on the minus strand). VCF-style: chr19-7143056-C-T. GRCh37 (hg19) VCF-style: chr19-7143067-C-T.
Other names: c.2266G>A, p.Gly756Arg (NM_001079817.3); short protein forms G756R, G768R.
Identifiers: ClinVar variation 3901295 (VCV003901295.1).

ClinVar aggregate classification (germline): Uncertain significance (1 of 4 stars; one submission).

Submission:

GeneDx
Classification: Uncertain significance. Last evaluated: 2024-12-03. Review status: criteria provided, single submitter. Criteria: GeneDx Variant Classification Process June 2021. Collection method: clinical testing. Allele origin: germline. Affected: yes.
Comment: Not observed at significant frequency in large population cohorts (gnomAD); In silico analysis indicates that this missense variant does not alter protein structure/function; Has not been previously published as pathogenic or benign to our knowledge